The following is an entry in ClinVar:

NM_003070.5(SMARCA2):c.4522A>C (p.Lys1508Gln)

Gene: SMARCA2 (SWI/SNF related BAF chromatin remodeling complex subunit ATPase 2; plus strand). Cytogenetic location: 9p24.3.
Variant type: single nucleotide variant.
Coding change: c.4522A>C on transcript NM_003070.5 (MANE Select); coding-DNA position 4522, A replaced by C.
Protein change: p.Lys1508Gln; replaces lysine 1508 with glutamine.
Molecular consequence: missense variant.
Genome position (GRCh38, 1-based): chr9:2,186,156, A>C. VCF-style: chr9-2186156-A-C. GRCh37 (hg19) VCF-style: chr9-2186156-A-C.
Other names: c.4522A>C, p.Lys1508Gln (NM_001289396.2); c.4294A>C, p.Lys1432Gln (NM_001289397.2); c.496A>C, p.Lys166Gln (NM_001289398.2); c.580A>C, p.Lys194Gln (NM_001289399.2); c.586A>C, p.Lys196Gln (NM_001289400.2); c.4468A>C, p.Lys1490Gln (NM_139045.4); short protein forms K1432Q, K1490Q, K1508Q, K166Q, K194Q, K196Q.
Identifiers: ClinVar variation 3253175 (VCV003253175.1), dbSNP rs988331673.

ClinVar aggregate classification (germline): Uncertain significance (1 of 4 stars; one submission).

Allele frequency attached by ClinVar (database versions not stated): TOPMed 0.00002.
gnomAD v4.1: 1 of 1,614,090 alleles (0.000062%); highest among the groups gnomAD compares: Non-Finnish European, 0.000085%; no homozygotes.

Submission:

GeneDx
Classification: Uncertain significance. Last evaluated: 2023-12-10. Review status: criteria provided, single submitter. Criteria: GeneDx Variant Classification Process June 2021. Collection method: clinical testing. Allele origin: germline. Affected: yes.
Comment: Not observed at significant frequency in large population cohorts (gnomAD); In silico analysis supports that this missense variant does not alter protein structure/function; Has not been previously published as pathogenic or benign to our knowledge